The following is an entry in ClinVar:

NM_021738.3(SVIL):c.2946C>A (p.Ala982=)

Gene: SVIL (supervillin; minus strand). Cytogenetic location: 10p11.23.
Variant type: single nucleotide variant.
Coding change: c.2946C>A on transcript NM_021738.3 (MANE Select); coding-DNA position 2946, C replaced by A.
Protein change: p.Ala982=; no amino-acid change (alanine 982 retained).
Molecular consequence: synonymous variant.
Genome position (GRCh38, 1-based): chr10:29,523,668, G>T on the plus strand (C>A on the coding strand, the complement: SVIL is on the minus strand). VCF-style: chr10-29523668-G-T. GRCh37 (hg19) VCF-style: chr10-29812597-G-T.
Other names: c.2016C>A, p.Ala672= (NM_001323599.2); c.1764C>A, p.Ala588= (NM_001323600.1); c.1668C>A, p.Ala556= (NM_003174.3).
Identifiers: ClinVar variation 724427 (VCV000724427.18), dbSNP rs145392867, ClinGen allele CA5457061.

ClinVar aggregate classification (germline): Benign/Likely benign. Review status: criteria provided, multiple submitters, no conflicts (2 of 4 stars). 3 submissions from 3 submitters: Benign (1); Likely benign (2). Last evaluated 2026-08-01.

Allele frequency attached by ClinVar (database versions not stated): 1000 Genomes Project 0.00020; 1000 Genomes Project 30x 0.00031; ESP Exome Variant Server 0.00092; gnomAD exomes 0.00099 and 0.00184; TOPMed 0.00104; gnomAD 0.00106 and 0.00111; ExAC 0.00123.

Submissions (3):

CeGaT Center for Human Genetics Tuebingen
Classification: Likely benign. Last evaluated: 2026-08-01. Review status: criteria provided, single submitter. Criteria: CeGaT Center For Human Genetics Tuebingen Variant Classification Criteria Version 2. Collection method: clinical testing. Allele origin: germline. Affected: yes. Observed: 3 variant alleles.
Comment: SVIL: BP4, BP7

Blueprint Genetics
Classification: Likely benign. Last evaluated: 2024-11-20. Review status: criteria provided, single submitter. Criteria: ACMG Guidelines, 2015. Collection method: clinical testing. Allele origin: germline.

Labcorp Genetics (formerly Invitae), Labcorp
Classification: Benign. Last evaluated: 2018-11-19. Review status: criteria provided, single submitter. Criteria: Invitae Variant Classification Sherloc (09022015). Collection method: clinical testing. Allele origin: germline.